The following is an entry in ClinVar:

ClinVar aggregate classification (germline): Uncertain significance (1 of 4 stars; one submission).

Conditions:
Parenti-mignot neurodevelopmental syndrome. Identifiers: MedGen C5676984, MONDO:0859249, OMIM 619873.

Submission:

Dasa
Classification: Uncertain significance for Parenti-mignot neurodevelopmental syndrome. Last evaluated: 2025-12-22. Review status: criteria provided, single submitter. Criteria: DASA Assertion Criteria. Collection method: clinical testing. Allele origin: germline.
Comment: NM_015557.3(CHD5):c.507-7C>T is a splice-region variant. This variant is rare in population databases. Computational prediction algorithms are consistent with a benign effect. The currently available literature and clinical evidence are not sufficient to establish a definitive association between this variant and the reported condition. Therefore, this variant is classified as a variant of uncertain significance.

NM_015557.3(CHD5):c.507-7C>T

Gene: CHD5 (chromodomain helicase DNA binding protein 5; minus strand). Cytogenetic location: 1p36.31.
Variant type: single nucleotide variant.
Coding change: c.507-7C>T on transcript NM_015557.3 (MANE Select); 7 bases into the intron before coding-DNA position 507, C replaced by T.
Molecular consequence: intron variant.
Genome position (GRCh38, 1-based): chr1:6,154,905, G>A on the plus strand (C>T on the coding strand, the complement: CHD5 is on the minus strand). VCF-style: chr1-6154905-G-A. GRCh37 (hg19) VCF-style: chr1-6214965-G-A.
Identifiers: ClinVar variation 4881622 (VCV004881622.2).